The following is an entry in ClinVar:

NM_145059.3(FCSK):c.582+1G>A

Gene: FCSK (fucose kinase; plus strand). Cytogenetic location: 16q22.1.
Variant type: single nucleotide variant.
Coding change: c.582+1G>A on transcript NM_145059.3 (MANE Select); the canonical splice donor site of the intron after coding-DNA position 582, G replaced by A.
Molecular consequence: splice donor variant.
Genome position (GRCh38, 1-based): chr16:70,467,472, G>A. VCF-style: chr16-70467472-G-A. GRCh37 (hg19) VCF-style: chr16-70501375-G-A.
Identifiers: ClinVar variation 5005625 (VCV005005625.2).
Genomic context (GRCh38, chr16:70,467,472, plus strand): 5'-GCCCTCCCAGGGAGCCCGGCCTACGCTCAGAATCATGGCGTCTACCTAACTGACCCCCAG[G>A]TAGTGCCCCTGGGGACAGTGGAGCCGGCTGGGGCAGCCTTCCTCCTGTCAGTGGGCAGCC-3'

ClinVar aggregate classification (germline): Uncertain significance (1 of 4 stars; one submission).

Conditions:
Congenital disorder of glycosylation with defective fucosylation 2 (CDGF2). Identifiers: MedGen C5193028, MONDO:0020777, OMIM 618324.

gnomAD v4.1: 2 of 1,591,792 alleles (0.00013%); highest among the groups gnomAD compares: Non-Finnish European, 0.00017%; no homozygotes.

Submission:

Juno Genomics, Hangzhou Juno Genomics, Inc
Classification: Uncertain significance for Congenital disorder of glycosylation with defective fucosylation 2. Review status: criteria provided, single submitter. Criteria: ACMG Guidelines, 2015. Collection method: clinical testing. Allele origin: germline.
Comment: Absent from controls (or at extremely low frequency if recessive) in Genome Aggregation Database.